The following is an entry in ClinVar:

NM_000302.4(PLOD1):c.*20T>C

Gene: PLOD1 (procollagen-lysine,2-oxoglutarate 5-dioxygenase 1; plus strand). Cytogenetic location: 1p36.22.
Variant type: single nucleotide variant.
Coding change: c.*20T>C on transcript NM_000302.4 (MANE Select); 20 bases downstream of the stop codon, T replaced by C.
Molecular consequence: 3 prime UTR variant.
Genome position (GRCh38, 1-based): chr1:11,974,828, T>C. VCF-style: chr1-11974828-T-C. GRCh37 (hg19) VCF-style: chr1-12034885-T-C.
Other names: c.*20T>C (NM_001316320.2).
Identifiers: ClinVar variation 4848120 (VCV004848120.1).

ClinVar aggregate classification (germline): Uncertain significance (1 of 4 stars; one submission).

gnomAD v4.1: 6 of 1,613,804 alleles (0.00037%); highest among the groups gnomAD compares: Non-Finnish European, 0.00051%; no homozygotes.

Submission:

Women's Health and Genetics/Laboratory Corporation of America, LabCorp
Classification: Uncertain significance. Last evaluated: 2026-02-02. Review status: criteria provided, single submitter. Criteria: LabCorp Variant Classification Summary - May 2015. Collection method: clinical testing. Allele origin: germline.
Comment: Variant summary: PLOD1 c.*20T>C is located in the untranslated mRNA region downstream of the termination codon. The variant was absent in 251336 control chromosomes. The available data on variant occurrences in the general population are insufficient to allow any conclusion about variant significance. To our knowledge, no occurrence of c.*20T>C in individuals affected with PLOD1-related conditions and no experimental evidence demonstrating its impact on protein function have been reported. No submitters have cited clinical-significance assessments for this variant to ClinVar. Based on the evidence outlined above, the variant was classified as uncertain significance.